The following is an entry in ClinVar:

ClinVar aggregate classification (germline): Likely benign. Review status: criteria provided, multiple submitters, no conflicts (2 of 4 stars). 6 submissions from 6 submitters: Likely benign (5). 1 of the submissions does not count toward it. Last evaluated 2025-12-15.

Conditions:
Cardiovascular phenotype. Identifiers: MedGen CN230736.
JAG1-related disorder. Also called: JAG1-related disorders; JAG1-related condition.
Alagille syndrome due to a JAG1 point mutation. Also called: JAG1-Related Alagille Syndrome; Alagille Syndrome 1; HEPATIC DUCTULAR HYPOPLASIA, SYNDROMATIC. Identifiers: Orphanet 261619, Orphanet 52, MedGen C1956125, MONDO:0016862, OMIM 118450.

Allele frequency attached by ClinVar (database versions not stated): ESP Exome Variant Server 0.00015; TOPMed 0.00018; gnomAD 0.00022 and 0.00023; 1000 Genomes Project 30x 0.00031; gnomAD exomes 0.00035; ExAC 0.00039; 1000 Genomes Project 0.00040.
gnomAD v4.1: 239 of 1,614,120 alleles (0.015%); highest among the groups gnomAD compares: Admixed American, 0.1%; 1 homozygote.

Submissions (6):

Labcorp Genetics (formerly Invitae), Labcorp
Classification: Likely benign for Alagille syndrome due to a JAG1 point mutation. Last evaluated: 2025-12-15. Review status: criteria provided, single submitter. Criteria: Invitae Variant Classification Sherloc (09022015). Collection method: clinical testing. Allele origin: germline.

Blueprint Genetics
Classification: Likely benign. Last evaluated: 2024-11-04. Review status: criteria provided, single submitter. Criteria: ACMG Guidelines, 2015. Collection method: clinical testing. Allele origin: germline.

Ambry Genetics
Classification: Likely benign for Cardiovascular phenotype. Last evaluated: 2023-12-20. Review status: criteria provided, single submitter. Criteria: Ambry Variant Classification Scheme 2023. Collection method: clinical testing. Allele origin: germline.

GeneDx
Classification: Likely benign. Last evaluated: 2019-08-01. Review status: criteria provided, single submitter. Criteria: GeneDx Variant Classification Process June 2021. Collection method: clinical testing. Allele origin: germline. Affected: yes.

Eurofins Ntd Llc (ga)
Classification: Likely benign. Last evaluated: 2016-11-04. Review status: criteria provided, single submitter. Criteria: EGL Classification Definitions 2015. Collection method: clinical testing. Allele origin: germline. Observed: 1 variant allele, 1 heterozygote.

PreventionGenetics, part of Exact Sciences
Classification: Likely benign for JAG1-related condition. Last evaluated: 2022-01-31. Review status: no assertion criteria provided. Collection method: clinical testing. Allele origin: germline. Not counted in ClinVar's aggregate classification.
Comment: This variant is classified as likely benign based on ACMG/AMP sequence variant interpretation guidelines (Richards et al. 2015 PMID: 25741868, with internal and published modifications).

Literature cited by the submitters: PubMed 36973604 (cited by Ambry Genetics); PubMed 37600608 (cited by Ambry Genetics).

NM_000214.3(JAG1):c.3296C>T (p.Pro1099Leu)

Gene: JAG1 (jagged canonical Notch ligand 1; minus strand). Cytogenetic location: 20p12.2.
Variant type: single nucleotide variant.
Coding change: c.3296C>T on transcript NM_000214.3 (MANE Select); coding-DNA position 3296, C replaced by T.
Protein change: p.Pro1099Leu; replaces proline 1099 with leucine.
Molecular consequence: missense variant.
Genome position (GRCh38, 1-based): chr20:10,639,859, G>A on the plus strand (C>T on the coding strand, the complement: JAG1 is on the minus strand). VCF-style: chr20-10639859-G-A. GRCh37 (hg19) VCF-style: chr20-10620507-G-A.
Other names: c.3296C>T, p.Pro1099Leu (LRG_1191t1); short protein forms P1099L.
Identifiers: ClinVar variation 497732 (VCV000497732.21), dbSNP rs200949270, ClinGen allele CA9764231.